The following is an entry in ClinVar:

NM_000256.3(MYBPC3):c.2149-3del

Gene: MYBPC3 (myosin binding protein C3; minus strand). Cytogenetic location: 11p11.2.
Variant type: Deletion.
Coding change: c.2149-3del on transcript NM_000256.3 (MANE Select); 3 bases into the intron before coding-DNA position 2149, one base deleted (C; older notation c.2149-3delC).
Molecular consequence: intron variant.
Genome position (GRCh38, 1-based): chr11:47,338,682, G deleted on the plus strand (C on the coding strand, the reverse complement: MYBPC3 is on the minus strand); the first of 7 consecutive G bases (chr11:47,338,682-47,338,688); deleting any one gives the same sequence. VCF-style (leftmost placement, unchanged base first): chr11-47338681-TG-T. GRCh37 (hg19) VCF-style: chr11-47360232-TG-T.
Identifiers: ClinVar variation 2048186 (VCV002048186.7), dbSNP rs748128261, ClinGen allele CA599374348.
Genomic context (GRCh38, chr11:47,338,681, plus strand): 5'-AAGATGCTGCGGTCCTTGGTGGTCTCCACGCGGACCCGGCCCTCGGTCTCACACAGCAGC[TG>T]GGGGGGTGCAGAGTTGGGGTGAGATCCAAGTCAGACCCCAGAGGCCCTTGCAGCCTCCGC-3'

ClinVar aggregate classification (germline): Benign/Likely benign. Review status: criteria provided, multiple submitters, no conflicts (2 of 4 stars). 4 submissions from 4 submitters: Benign (1); Likely benign (3). Last evaluated 2026-01-15.

Conditions:
Hypertrophic cardiomyopathy. Also called: HYPERTROPHIC MYOCARDIOPATHY. Identifiers: Orphanet 217569, MedGen C0007194, MeSH D002312, MONDO:0005045, HP:0001639.

Submissions (4):

Labcorp Genetics (formerly Invitae), Labcorp
Classification: Benign for Hypertrophic cardiomyopathy. Last evaluated: 2026-01-15. Review status: criteria provided, single submitter. Criteria: Invitae Variant Classification Sherloc (09022015). Collection method: clinical testing. Allele origin: germline.

Molecular Diagnostic Laboratory for Inherited Cardiovascular Disease, Montreal Heart Institute
Classification: Likely benign. Last evaluated: 2025-04-09. Review status: criteria provided, single submitter. Criteria: ACMG Guidelines, 2015. Collection method: clinical testing. Allele origin: germline. Affected: no.

All of Us Research Program, National Institutes of Health
Classification: Likely benign for Hypertrophic cardiomyopathy. Last evaluated: 2023-12-01. Review status: criteria provided, single submitter. Criteria: ACMG Guidelines, 2015. Collection method: clinical testing. Allele origin: germline. Inheritance: Autosomal dominant inheritance. Observed: 2 variant alleles, 2 heterozygotes.
Comment: This study involves interpretation of variants in research participants for the purpose of population health screening. Participant phenotype was not available at the time of variant classification. Additional details can be found in publication PMID: 35346344, PMCID: PMC8962531

Blueprint Genetics
Classification: Likely benign. Last evaluated: 2021-09-13. Review status: criteria provided, single submitter. Criteria: ACMG Guidelines, 2015. Collection method: clinical testing. Allele origin: germline.